The following is an entry in ClinVar:

NM_001102564.3(IFT43):c.508-8_508-6del

Gene: IFT43 (intraflagellar transport 43; plus strand). Cytogenetic location: 14q24.3.
Variant type: Microsatellite.
Coding change: c.508-8_508-6del on transcript NM_001102564.3 (MANE Select); 8 bases into the intron before coding-DNA position 508 through 6 bases into the intron before coding-DNA position 508, 3 bases deleted (CTT; older notation c.508-8_508-6delCTT).
Molecular consequence: intron variant.
Genome position (GRCh38, 1-based): chr14:76,083,450-76,083,452, CTT deleted; deleting any 3 consecutive bases within chr14:76,083,447-76,083,452 gives the same sequence; the c. name uses the placement nearest the transcript's 3' end. VCF-style (leftmost placement, unchanged base first): chr14-76083446-CCTT-C. GRCh37 (hg19) VCF-style: chr14-76549789-CCTT-C.
Other names: c.523-8_523-6del (NM_052873.3).
Identifiers: ClinVar variation 966228 (VCV000966228.7), dbSNP rs760522548, ClinGen allele CA7280948.

ClinVar aggregate classification (germline): Uncertain significance (1 of 4 stars; one submission).

Submission:

Labcorp Genetics (formerly Invitae), Labcorp
Classification: Uncertain significance. Last evaluated: 2022-10-14. Review status: criteria provided, single submitter. Criteria: Invitae Variant Classification Sherloc (09022015). Collection method: clinical testing. Allele origin: germline.
Comment: This sequence change falls in intron 7 of the IFT43 gene. It does not directly change the encoded amino acid sequence of the IFT43 protein. This variant is present in population databases (rs760522548, gnomAD 0.006%). This variant has not been reported in the literature in individuals affected with IFT43-related conditions. ClinVar contains an entry for this variant (Variation ID: 966228). Algorithms developed to predict the effect of sequence changes on RNA splicing suggest that this variant may disrupt the consensus splice site. In summary, the available evidence is currently insufficient to determine the role of this variant in disease. Therefore, it has been classified as a Variant of Uncertain Significance.